The following is an entry in ClinVar:

ClinVar aggregate classification (germline): Conflicting classifications of pathogenicity. Review status: criteria provided, conflicting classifications (1 of 4 stars). 11 submissions from 11 submitters: Uncertain significance (9); Likely benign (2). Last evaluated 2026-02-09.

Conditions:
Cardiovascular phenotype. Identifiers: MedGen CN230736.
MYBPC3-related disorder. Also called: MYBPC3-related disorders; MYBPC3-related condition; MYBPC3-related disease.
Hypertrophic cardiomyopathy 4. Also called: Familial hypertrophic cardiomyopathy 4. Identifiers: MedGen C1861862, MONDO:0007268, OMIM 115197.
Left ventricular noncompaction 10 (LVNC10). Identifiers: Orphanet 154, Orphanet 54260, MedGen C3715165, MONDO:0014163, OMIM 615396.
Cardiomyopathy (CMYO). Also called: Cardiomyopathies. Identifiers: Orphanet 167848, MedGen C0878544, MONDO:0004994, HP:0001638. Inheritance: Various modes of inheritance.
Hypertrophic cardiomyopathy. Also called: HYPERTROPHIC MYOCARDIOPATHY. Identifiers: Orphanet 217569, MedGen C0007194, MeSH D002312, MONDO:0005045, HP:0001639.

Allele frequency attached by ClinVar (database versions not stated): gnomAD exomes 0.00004; ExAC 0.00006; gnomAD 0.00019 and 0.00021; TOPMed 0.00021; ESP Exome Variant Server 0.00039; 1000 Genomes Project 0.00040; 1000 Genomes Project 30x 0.00047.
gnomAD v4.1: 54 of 1,600,366 alleles (0.0034%); highest among the groups gnomAD compares: African/African-American, 0.067%; no homozygotes.

Submissions (11):

Women's Health and Genetics/Laboratory Corporation of America, LabCorp
Classification: Uncertain significance. Last evaluated: 2026-02-09. Review status: criteria provided, single submitter. Criteria: LabCorp Variant Classification Summary - May 2015. Collection method: clinical testing. Allele origin: germline.
Comment: Variant summary: MYBPC3 c.74G>A (p.Ser25Asn) results in a conservative amino acid change located in the Immunoglobulin subtype 2 of the encoded protein sequence. Algorithms developed to predict the effect of missense changes on protein structure and function all suggest that this variant is likely to be tolerated. The variant allele was found at a frequency of 4.2e-05 in 237812 control chromosomes. This frequency is not significantly higher than estimated for disease-causing variants in MYBPC3, allowing no conclusion about variant significance. c.74G>A has been observed in individual(s) affected with Cardiomyopathy. These report(s) do not provide unequivocal conclusions about association of the variant with Cardiomyopathy. To our knowledge, no experimental evidence demonstrating an impact on protein function has been reported. The following publication have been ascertained in the context of this evaluation (PMID: 24510615). ClinVar contains an entry for this variant (Variation ID: 164159). Based on the evidence outlined above, the variant was classified as uncertain significance.

Labcorp Genetics (formerly Invitae), Labcorp
Classification: Uncertain significance for Hypertrophic cardiomyopathy. Last evaluated: 2026-01-31. Review status: criteria provided, single submitter. Criteria: Invitae Variant Classification Sherloc (09022015). Collection method: clinical testing. Allele origin: germline.
Comment: This sequence change replaces serine, which is neutral and polar, with asparagine, which is neutral and polar, at codon 25 of the MYBPC3 protein (p.Ser25Asn). This variant is present in population databases (rs371140684, gnomAD 0.08%), and has an allele count higher than expected for a pathogenic variant. This missense change has been observed in individual(s) with hypertrophic cardiomyopathy (PMID: 30847666). ClinVar contains an entry for this variant (Variation ID: 164159). An algorithm developed to predict the effect of missense changes on protein structure and function outputs the following: PolyPhen-2: "Benign". The asparagine amino acid residue is found in multiple mammalian species, which suggests that this missense change does not adversely affect protein function. In summary, the available evidence is currently insufficient to determine the role of this variant in disease. Therefore, it has been classified as a Variant of Uncertain Significance.

PreventionGenetics, part of Exact Sciences
Classification: Uncertain significance for MYBPC3-related condition. Last evaluated: 2025-12-19. Review status: criteria provided, single submitter. Criteria: ACMG Guidelines, 2015. Collection method: clinical testing. Allele origin: germline.
Comment: The MYBPC3 c.74G>A variant is predicted to result in the amino acid substitution p.Ser25Asn. To our knowledge, this variant has not been reported in the literature. This variant is reported in 0.074% of alleles in individuals of African descent in gnomAD. Although we suspect that this variant may be benign, at this time, the clinical significance of this variant is uncertain due to the absence of conclusive functional and genetic evidence.

All of Us Research Program, National Institutes of Health
Classification: Uncertain significance for Hypertrophic cardiomyopathy. Last evaluated: 2024-08-23. Review status: criteria provided, single submitter. Criteria: ACMG Guidelines, 2015. Collection method: clinical testing. Allele origin: germline. Inheritance: Autosomal dominant inheritance. Observed: 13 variant alleles, 13 heterozygotes.
Comment: This missense variant replaces serine with asparagine at codon 25 of the MYBPC3 protein. Computational prediction suggests that this variant may not impact protein structure and function (internally defined REVEL score threshold <= 0.5, PMID: 27666373). Splice site prediction tools suggest that this variant may not impact RNA splicing. To our knowledge, functional studies have not been performed for this variant. This variant has not been reported in individuals affected with cardiovascular disorders in the literature. This variant has been identified in 17/269206 chromosomes in the general population by the Genome Aggregation Database (gnomAD). The available evidence is insufficient to determine the role of this variant in disease conclusively. Therefore, this variant is classified as a Variant of Uncertain Significance.

This study involves interpretation of variants in research participants for the purpose of population health screening. Participant phenotype was not available at the time of variant classification. Additional details can be found in publication PMID: 35346344, PMCID: PMC8962531

Color Diagnostics, LLC DBA Color Health
Classification: Uncertain significance for Cardiomyopathy. Last evaluated: 2024-07-26. Review status: criteria provided, single submitter. Criteria: ACMG Guidelines, 2015. Collection method: clinical testing. Allele origin: germline.
Comment: This missense variant replaces serine with asparagine at codon 25 of the MYBPC3 protein. Computational prediction tools indicate that this variant has a neutral impact on protein structure and function. To our knowledge, functional studies have not been reported for this variant. This variant has been reported in an individual affected with hypertrophic cardiomyopathy (PMID: 30847666). This variant has been identified in 17/269206 chromosomes in the general population by the Genome Aggregation Database (gnomAD). The available evidence is insufficient to determine the role of this variant in disease conclusively. Therefore, this variant is classified as a Variant of Uncertain Significance.

GeneDx
Classification: Uncertain significance. Last evaluated: 2024-05-09. Review status: criteria provided, single submitter. Criteria: GeneDx Variant Classification Process June 2021. Collection method: clinical testing. Allele origin: germline. Affected: yes.
Comment: Identified in a patient with HCM in published literature; this patient harbored additional cardiogenetic variants (PMID: 30847666); In silico analysis indicates that this missense variant does not alter protein structure/function; This variant is associated with the following publications: (PMID: 24510615, 30847666)

CHEO Genetics Diagnostic Laboratory, Children's Hospital of Eastern Ontario
Classification: Likely benign for Cardiomyopathy. Last evaluated: 2021-10-19. Review status: criteria provided, single submitter. Criteria: ACMG Guidelines, 2015. Collection method: clinical testing. Allele origin: germline.

Ambry Genetics
Classification: Likely benign for Cardiovascular phenotype. Last evaluated: 2021-09-05. Review status: criteria provided, single submitter. Criteria: Ambry Variant Classification Scheme 2023. Collection method: clinical testing. Allele origin: germline.

Revvity Omics, Revvity
Classification: Uncertain significance. Last evaluated: 2021-06-19. Review status: criteria provided, single submitter. Criteria: ACMG Guidelines, 2015. Collection method: clinical testing. Allele origin: germline.

Laboratory for Molecular Medicine, Mass General Brigham Personalized Medicine
Classification: Uncertain significance. Last evaluated: 2013-09-18. Review status: criteria provided, single submitter. Criteria: LMM Criteria. Collection method: clinical testing. Allele origin: germline. Observed: 1 variant allele.
Comment: Variant classified as Uncertain Significance - Favor Benign. The Ser25Asn varian t in MYBPC3 as not been previously reported in individuals with cardiomyopathy b ut has been identified in 0.1% (5/4232) of African American chromosomes by the N HLBI Exome Sequencing Project (dbSNP rs371140 684). Serine (Ser) at position 25 is not conserved in evolution with 2 species ( 1 mammal, 1 bird) carrying the variant amino acid, suggesting that this change m ay be tolerated. The change was also predicted to be benign using a computationa l tool clinically validated by our laboratory. This tool's benign prediction is estimated to be correct 89% of the time (Jordan 2011). Although this data suppor ts that the Ser25Asn variant may be benign, additional studies are needed to ful ly assess its clinical significance.

Center for Genomics, Ann and Robert H. Lurie Children's Hospital of Chicago
Classification: Uncertain significance for Hypertrophic cardiomyopathy 4; Left ventricular noncompaction 10. Review status: criteria provided, single submitter. Criteria: ACMG Guidelines, 2015. Collection method: clinical testing. Allele origin: germline.
Comment: MYBPC3 NM_000256.3 exon 2 p.Ser25Asn (c.74G>A): This variant has not been reported in the literature but is present in 0.07% (17/22832) of African alleles in the Genome Aggregation Database and is present in ClinVar (Variation ID:164159). This variant amino acid (Asn) is present in several species including some mammals, and it is not well conserved among evolutionarily distant species; this suggests that this variant may not impact the protein. Additional computational prediction tools are unclear. In summary, data on this variant is insufficient for disease classification. Therefore, the clinical significance of this variant is uncertain.

Literature cited by the submitters: PubMed 24510615 (cited by Women's Health and Genetics/Laboratory Corporation of America, LabCorp and Ambry Genetics); PubMed 30847666 (cited by 3 submitters).

NM_000256.3(MYBPC3):c.74G>A (p.Ser25Asn)

Gene: MYBPC3 (myosin binding protein C3; minus strand). Cytogenetic location: 11p11.2.
Variant type: single nucleotide variant.
Coding change: c.74G>A on transcript NM_000256.3 (MANE Select); coding-DNA position 74, G replaced by A.
Protein change: p.Ser25Asn; replaces serine 25 with asparagine.
Molecular consequence: missense variant.
Genome position (GRCh38, 1-based): chr11:47,351,457, C>T on the plus strand (G>A on the coding strand, the complement: MYBPC3 is on the minus strand). VCF-style: chr11-47351457-C-T. GRCh37 (hg19) VCF-style: chr11-47373008-C-T.
Other names: short protein forms S25N.
Identifiers: ClinVar variation 164159 (VCV000164159.32), dbSNP rs371140684, ClinGen allele CA015780.